The following is an entry in ClinVar:

NM_001127898.4(CLCN5):c.2038A>T (p.Thr680Ser)

Genes: CLCN5 (chloride voltage-gated channel 5; plus strand), LOC126863258 (BRD4-independent group 4 enhancer GRCh37_chrX:49854497-49855696; plus strand). Cytogenetic location: Xp11.23.
Variant type: single nucleotide variant.
Coding change: c.2038A>T on transcript NM_001127898.4 (MANE Select); coding-DNA position 2038, A replaced by T.
Protein change: p.Thr680Ser; replaces threonine 680 with serine.
Molecular consequence: missense variant.
Genome position (GRCh38, 1-based): chrX:50,090,409, A>T. VCF-style: chrX-50090409-A-T. GRCh37 (hg19) VCF-style: chrX-49855066-A-T.
Other names: c.1828A>T, p.Thr610Ser (NM_000084.5); c.2038A>T, p.Thr680Ser (NM_001127899.4); c.1888A>T, p.Thr630Ser (NM_001282163.2); short protein forms T610S, T630S, T680S.
Identifiers: ClinVar variation 3046440 (VCV003046440.2), dbSNP rs1557194601, ClinGen allele CA413190021.
Genomic context (GRCh38, chrX:50,090,409, plus strand): 5'-AGAAATGATCCTTTGTTGACTGTCCTTACTCAGGACAGTATGACTGTGGAAGATGTAGAG[A>T]CCATAATCAGTGAAACCACTTACAGTGGCTTCCCAGTGGTGGTATCCCGGGAGTCCCAAA-3'
Protein context (NP_001121370.1, residues 670-690): QDSMTVEDVE[Thr680Ser]IISETTYSGF

ClinVar aggregate classification (germline): Uncertain significance (0 of 4 stars; one submission).

Conditions:
CLCN5-related disorder. Also called: CLCN5-related condition.

Allele frequency attached by ClinVar (database versions not stated): gnomAD exomes below 0.00001.
gnomAD v4.1: 2 of 1,211,128 alleles (0.00017%); highest among the groups gnomAD compares: South Asian, 0.0018%; no homozygotes.

Submission:

PreventionGenetics, part of Exact Sciences
Classification: Uncertain significance for CLCN5-related condition. Last evaluated: 2024-01-13. Review status: no assertion criteria provided. Collection method: clinical testing. Allele origin: germline.
Comment: The CLCN5 c.1828A>T variant is predicted to result in the amino acid substitution p.Thr610Ser. To our knowledge, this variant has not been reported in the literature. This variant is reported in 0.0053% of alleles in individuals of South Asian descent in gnomAD. At this time, the clinical significance of this variant is uncertain due to the absence of conclusive functional and genetic evidence.